The following is an entry in ClinVar:

NM_007186.6(CEP250):c.277G>A (p.Glu93Lys)

Gene: CEP250 (centrosomal protein 250; plus strand). Cytogenetic location: 20q11.22.
Variant type: single nucleotide variant.
Coding change: c.277G>A on transcript NM_007186.6 (MANE Select); coding-DNA position 277, G replaced by A.
Protein change: p.Glu93Lys; replaces glutamic acid 93 with lysine.
Molecular consequence: missense variant. On other transcripts: 5 prime UTR variant (1).
Genome position (GRCh38, 1-based): chr20:35,465,776, G>A. VCF-style: chr20-35465776-G-A. GRCh37 (hg19) VCF-style: chr20-34053601-G-A.
Other names: c.-1623G>A (NM_001318219.1); short protein forms E93K.
Identifiers: ClinVar variation 959127 (VCV000959127.10), dbSNP rs374590661, ClinGen allele CA9832577.

ClinVar aggregate classification (germline): Uncertain significance (1 of 4 stars; one submission).

Allele frequency attached by ClinVar (database versions not stated): ExAC 0.00003; ESP Exome Variant Server 0.00008; gnomAD exomes below 0.00001 and 0.00001; gnomAD 0.00001; TOPMed 0.00002.
gnomAD v4.1: 10 of 1,609,376 alleles (0.00062%); highest among the groups gnomAD compares: Non-Finnish European, 0.00085%; no homozygotes.

Submission:

Labcorp Genetics (formerly Invitae), Labcorp
Classification: Uncertain significance. Last evaluated: 2022-01-07. Review status: criteria provided, single submitter. Criteria: Invitae Variant Classification Sherloc (09022015). Collection method: clinical testing. Allele origin: germline.
Comment: The frequency data for this variant in the population databases is considered unreliable, as metrics indicate poor data quality at this position in the gnomAD database. In summary, the available evidence is currently insufficient to determine the role of this variant in disease. Therefore, it has been classified as a Variant of Uncertain Significance. Algorithms developed to predict the effect of missense changes on protein structure and function are either unavailable or do not agree on the potential impact of this missense change (SIFT: "Not Available"; PolyPhen-2: "Benign"; Align-GVGD: "Not Available"). ClinVar contains an entry for this variant (Variation ID: 959127). This variant has not been reported in the literature in individuals affected with CEP250-related conditions. This sequence change replaces glutamic acid, which is acidic and polar, with lysine, which is basic and polar, at codon 93 of the CEP250 protein (p.Glu93Lys).